The following is an entry in ClinVar:

ClinVar aggregate classification (germline): Likely benign (1 of 4 stars; one submission).

Submission:

CeGaT Center for Human Genetics Tuebingen
Classification: Likely benign. Last evaluated: 2023-02-01. Review status: criteria provided, single submitter. Criteria: CeGaT Center For Human Genetics Tuebingen Variant Classification Criteria Version 2. Collection method: clinical testing. Allele origin: germline. Affected: yes. Observed: 1 variant allele.
Comment: CRB2: PM2:Supporting, BP4, BP7

NM_173689.7(CRB2):c.2757C>A (p.Gly919=)

Gene: CRB2 (crumbs cell polarity complex component 2; plus strand). Cytogenetic location: 9q33.3.
Variant type: single nucleotide variant.
Coding change: c.2757C>A on transcript NM_173689.7 (MANE Select); coding-DNA position 2757, C replaced by A.
Protein change: p.Gly919=; no amino-acid change (glycine 919 retained).
Molecular consequence: synonymous variant. On other transcripts: non-coding transcript variant (1).
Genome position (GRCh38, 1-based): chr9:123,373,288, C>A. VCF-style: chr9-123373288-C-A. GRCh37 (hg19) VCF-style: chr9-126135567-C-A.
Identifiers: ClinVar variation 2659489 (VCV002659489.24), dbSNP rs779512365, ClinGen allele CA467206193.